The following is an entry in ClinVar:

ClinVar aggregate classification (germline): Benign/Likely benign. Review status: criteria provided, multiple submitters, no conflicts (2 of 4 stars). 3 submissions from 3 submitters: Benign (1); Likely benign (1). 1 of the submissions does not count toward it. Last evaluated 2025-10-26.

Conditions:
PLAA-related disorder. Also called: PLAA-related condition.

Allele frequency attached by ClinVar (database versions not stated): gnomAD 0.00004 and 0.00007; gnomAD exomes 0.00007 and 0.00021; TOPMed 0.00011; ExAC 0.00017; 1000 Genomes Project 30x 0.00031; 1000 Genomes Project 0.00040.
gnomAD v4.1: 114 of 1,600,518 alleles (0.0071%); highest among the groups gnomAD compares: East Asian, 0.24%; no homozygotes.

Submissions (3):

Labcorp Genetics (formerly Invitae), Labcorp
Classification: Benign. Last evaluated: 2025-10-26. Review status: criteria provided, single submitter. Criteria: Invitae Variant Classification Sherloc (09022015). Collection method: clinical testing. Allele origin: germline.

Blueprint Genetics
Classification: Likely benign. Last evaluated: 2024-08-22. Review status: criteria provided, single submitter. Criteria: ACMG Guidelines, 2015. Collection method: clinical testing. Allele origin: germline.

PreventionGenetics, part of Exact Sciences
Classification: Likely benign for PLAA-related condition. Last evaluated: 2024-02-27. Review status: no assertion criteria provided. Collection method: clinical testing. Allele origin: germline. Not counted in ClinVar's aggregate classification.
Comment: This variant is classified as likely benign based on ACMG/AMP sequence variant interpretation guidelines (Richards et al. 2015 PMID: 25741868, with internal and published modifications).

NM_001031689.3(PLAA):c.351T>C (p.Ser117=)

Gene: PLAA (phospholipase A2 activating protein; minus strand). Cytogenetic location: 9p21.2.
Variant type: single nucleotide variant.
Coding change: c.351T>C on transcript NM_001031689.3 (MANE Select); coding-DNA position 351, T replaced by C.
Protein change: p.Ser117=; no amino-acid change (serine 117 retained).
Molecular consequence: synonymous variant.
Genome position (GRCh38, 1-based): chr9:26,928,401, A>G on the plus strand (T>C on the coding strand, the complement: PLAA is on the minus strand). VCF-style: chr9-26928401-A-G. GRCh37 (hg19) VCF-style: chr9-26928399-A-G.
Other names: c.351T>C, p.Ser117= (NM_001321546.2); c.351T>C (NM_001031689.2).
Identifiers: ClinVar variation 1544796 (VCV001544796.11), dbSNP rs185989225, ClinGen allele CA5014656.